The following is an entry in ClinVar:

NM_000370.3(TTPA):c.215del (p.Asn72fs)

Gene: TTPA (alpha tocopherol transfer protein; minus strand). Cytogenetic location: 8q12.3.
Variant type: Deletion.
Coding change: c.215del on transcript NM_000370.3 (MANE Select); coding-DNA position 215, one base deleted (A; older notation c.215delA).
Protein change: p.Asn72fs; shifts the reading frame from asparagine 72.
Molecular consequence: frameshift variant. On other transcripts: non-coding transcript variant (2), intron variant (2).
Genome position (GRCh38, 1-based): chr8:63,073,078, T deleted on the plus strand (A on the coding strand, the reverse complement: TTPA is on the minus strand); the first of 6 consecutive T bases (chr8:63,073,078-63,073,083); deleting any one gives the same sequence. VCF-style (leftmost placement, unchanged base first): chr8-63073077-GT-G. GRCh37 (hg19) VCF-style: chr8-63985636-GT-G.
Other names: c.215del, p.Asn72fs (NM_001413415.1, NM_001413416.1, NM_001413418.1); c.205-11653del (NM_001413417.1); c.205-8762del (NM_001413414.1); short protein forms N72fs.
Identifiers: ClinVar variation 5016217 (VCV005016217.1).

ClinVar aggregate classification (germline): Pathogenic (1 of 4 stars; one submission).

Conditions:
Familial isolated deficiency of vitamin E (AVED). Also called: ATAXIA, FRIEDREICH-LIKE, WITH SELECTIVE VITAMIN E DEFICIENCY; Ataxia with isolated vitamin E deficiency. Identifiers: Orphanet 96, MedGen C1848533, MONDO:0010188, OMIM 277460.

Submission:

Myriad Genetics, Inc.
Classification: Pathogenic for Familial isolated deficiency of vitamin E. Last evaluated: 2026-08-08. Review status: criteria provided, single submitter. Criteria: Myriad Autosomal Dominant, Autosomal Recessive and X-Linked Classification Criteria (2023). Collection method: clinical testing. Allele origin: unknown.
Comment: NM_000370.3(TTPA):c.215delA(N72Tfs*12) is expected to be pathogenic in the context of ataxia with vitamin E deficiency. This variant is predicted to lead to an abnormal or absent protein product due to the creation of a premature termination codon in TTPA, a gene where loss-of-function variants are known to be pathogenic. Please note: this variant was assessed in the context of healthy population screening.